The following is an entry in ClinVar:

NM_013450.4(BAZ2B):c.3898G>A (p.Asp1300Asn)

Gene: BAZ2B (bromodomain adjacent to zinc finger domain 2B; minus strand). Cytogenetic location: 2q24.2.
Variant type: single nucleotide variant.
Coding change: c.3898G>A on transcript NM_013450.4 (MANE Select); coding-DNA position 3898, G replaced by A.
Protein change: p.Asp1300Asn; replaces aspartic acid 1300 with asparagine.
Molecular consequence: missense variant.
Genome position (GRCh38, 1-based): chr2:159,382,666, C>T on the plus strand (G>A on the coding strand, the complement: BAZ2B is on the minus strand). VCF-style: chr2-159382666-C-T. GRCh37 (hg19) VCF-style: chr2-160239177-C-T.
Other names: c.3790G>A, p.Asp1264Asn (NM_001289975.1); c.3736G>A, p.Asp1246Asn (NM_001329857.2); c.3823G>A, p.Asp1275Asn (NM_001329858.2); short protein forms D1246N, D1264N, D1275N, D1300N.
Identifiers: ClinVar variation 4535089 (VCV004535089.6).

ClinVar aggregate classification (germline): Uncertain significance (1 of 4 stars; one submission).

Submission:

CeGaT Center for Human Genetics Tuebingen
Classification: Uncertain significance. Last evaluated: 2025-10-01. Review status: criteria provided, single submitter. Criteria: CeGaT Center For Human Genetics Tuebingen Variant Classification Criteria Version 2. Collection method: clinical testing. Allele origin: germline. Affected: yes. Observed: 1 variant allele.
Comment: BAZ2B: PM2